The following is an entry in ClinVar:

NM_001035.3(RYR2):c.143T>C (p.Phe48Ser)

Gene: RYR2 (ryanodine receptor 2; plus strand). Cytogenetic location: 1q43.
Variant type: single nucleotide variant.
Coding change: c.143T>C on transcript NM_001035.3 (MANE Select); coding-DNA position 143, T replaced by C.
Protein change: p.Phe48Ser; replaces phenylalanine 48 with serine.
Molecular consequence: missense variant.
Genome position (GRCh38, 1-based): chr1:237,270,591, T>C. VCF-style: chr1-237270591-T-C. GRCh37 (hg19) VCF-style: chr1-237433891-T-C.
Other names: short protein forms F48S.
Identifiers: ClinVar variation 1411252 (VCV001411252.11), dbSNP rs774559907, ClinGen allele CA085651.

ClinVar aggregate classification (germline): Uncertain significance. Review status: criteria provided, multiple submitters, no conflicts (2 of 4 stars). 3 submissions from 3 submitters: Uncertain significance (3). Last evaluated 2024-08-01.

Conditions:
Catecholaminergic polymorphic ventricular tachycardia 1. Also called: RYR2-Related Catecholaminergic Polymorphic Ventricular Tachycardia; VENTRICULAR TACHYCARDIA, STRESS-INDUCED POLYMORPHIC 1; VENTRICULAR TACHYCARDIA, CATECHOLAMINERGIC POLYMORPHIC, 1, WITH OR WITHOUT ATRIAL DYSFUNCTION AND/OR DILATED CARDIOMYOPATHY. Identifiers: Orphanet 3286, MedGen C1631597, MONDO:0011484, OMIM 604772.
Cardiomyopathy (CMYO). Also called: Cardiomyopathies. Identifiers: Orphanet 167848, MedGen C0878544, MONDO:0004994, HP:0001638. Inheritance: Various modes of inheritance.

Allele frequency attached by ClinVar (database versions not stated): gnomAD exomes 0.00001; gnomAD 0.00002; TOPMed 0.00002; ExAC 0.00004.
gnomAD v4.1: 7 of 1,591,766 alleles (0.00044%); highest among the groups gnomAD compares: Non-Finnish European, 0.000086%; no homozygotes.

Submissions (3):

Labcorp Genetics (formerly Invitae), Labcorp
Classification: Uncertain significance for Catecholaminergic polymorphic ventricular tachycardia 1. Last evaluated: 2024-08-01. Review status: criteria provided, single submitter. Criteria: Invitae Variant Classification Sherloc (09022015). Collection method: clinical testing. Allele origin: germline.
Comment: This sequence change replaces phenylalanine, which is neutral and non-polar, with serine, which is neutral and polar, at codon 48 of the RYR2 protein (p.Phe48Ser). This variant is present in population databases (rs774559907, gnomAD 0.01%). This variant has not been reported in the literature in individuals affected with RYR2-related conditions. ClinVar contains an entry for this variant (Variation ID: 1411252). Advanced modeling of protein sequence and biophysical properties (such as structural, functional, and spatial information, amino acid conservation, physicochemical variation, residue mobility, and thermodynamic stability) performed at Invitae indicates that this missense variant is expected to disrupt RYR2 protein function with a positive predictive value of 95%. In summary, the available evidence is currently insufficient to determine the role of this variant in disease. Therefore, it has been classified as a Variant of Uncertain Significance.

Color Diagnostics, LLC DBA Color Health
Classification: Uncertain significance for Cardiomyopathy. Last evaluated: 2024-07-26. Review status: criteria provided, single submitter. Criteria: ACMG Guidelines, 2015. Collection method: clinical testing. Allele origin: germline.
Comment: This missense variant replaces phenylalanine with serine at codon 48 of the RYR2 protein. Computational prediction suggests that this variant may have deleterious impact on protein structure and function (internally defined REVEL score threshold >= 0.7, PMID: 27666373). To our knowledge, functional studies have not been reported for this variant. This variant has not been reported in individuals affected with RYR2-related disorders in the literature. This variant has been identified in 2/213542 chromosomes in the general population by the Genome Aggregation Database (gnomAD). The available evidence is insufficient to determine the role of this variant in disease conclusively. Therefore, this variant is classified as a Variant of Uncertain Significance.

AiLife Diagnostics
Classification: Uncertain significance. Last evaluated: 2022-02-02. Review status: criteria provided, single submitter. Criteria: ACMG Guidelines, 2015. Collection method: clinical testing. Allele origin: germline. Affected: yes. Observed: 1 variant allele.